The following is an entry in ClinVar:

NM_018124.4(RFWD3):c.1227G>T (p.Gln409His)

Gene: RFWD3 (ring finger and WD repeat domain 3; minus strand). Cytogenetic location: 16q23.1.
Variant type: single nucleotide variant.
Coding change: c.1227G>T on transcript NM_018124.4 (MANE Select); coding-DNA position 1227, G replaced by T.
Protein change: p.Gln409His; replaces glutamine 409 with histidine.
Molecular consequence: missense variant.
Genome position (GRCh38, 1-based): chr16:74,636,545, C>A on the plus strand (G>T on the coding strand, the complement: RFWD3 is on the minus strand). VCF-style: chr16-74636545-C-A. GRCh37 (hg19) VCF-style: chr16-74670443-C-A.
Other names: c.1227G>T, p.Gln409His (NM_001370534.1, NM_001370535.1, NM_001370536.1); c.393G>T, p.Gln131His (NM_001370537.1, NM_001370539.1, NM_001370540.1 and 2 more transcripts); short protein forms Q409H, Q131H.
Identifiers: ClinVar variation 4729239 (VCV004729239.1).

ClinVar aggregate classification (germline): Uncertain significance (1 of 4 stars; one submission).

Submission:

Labcorp Genetics (formerly Invitae), Labcorp
Classification: Uncertain significance. Last evaluated: 2025-10-14. Review status: criteria provided, single submitter. Criteria: Invitae Variant Classification Sherloc (09022015). Collection method: clinical testing. Allele origin: germline.
Comment: This sequence change replaces glutamine, which is neutral and polar, with histidine, which is basic and polar, at codon 409 of the RFWD3 protein (p.Gln409His). This variant is not present in population databases (gnomAD no frequency). This variant has not been reported in the literature in individuals affected with RFWD3-related conditions. An algorithm developed to predict the effect of missense changes on protein structure and function (PolyPhen-2) suggests that this variant is likely to be tolerated. In summary, the available evidence is currently insufficient to determine the role of this variant in disease. Therefore, it has been classified as a Variant of Uncertain Significance.